The following is an entry in ClinVar:

NM_018671.5(UNC45A):c.2369T>C (p.Met790Thr)

Genes: RCCD1-AS1 (RCCD1 and UNC45A antisense RNA 1; minus strand), UNC45A (unc-45 myosin chaperone A; plus strand). Cytogenetic location: 15q26.1.
Variant type: single nucleotide variant.
Coding change: c.2369T>C on transcript NM_018671.5 (MANE Select); coding-DNA position 2369, T replaced by C.
Protein change: p.Met790Thr; replaces methionine 790 with threonine.
Molecular consequence: missense variant. On other transcripts: non-coding transcript variant (1).
Genome position (GRCh38, 1-based): chr15:90,952,994, T>C. VCF-style: chr15-90952994-T-C. GRCh37 (hg19) VCF-style: chr15-91496224-T-C.
Other names: c.2324T>C (NM_001039675.1); c.2369T>C (NM_018671.3); c.2324T>C, p.Met775Thr (NM_001039675.2, NM_001323621.2); c.2369T>C, p.Met790Thr (NM_001323619.1); c.1934T>C, p.Met645Thr (NM_001323620.2); short protein forms M790T, M645T, M775T.
Identifiers: ClinVar variation 1416449 (VCV001416449.7), dbSNP rs143290125, ClinGen allele CA7743276.

ClinVar aggregate classification (germline): Uncertain significance. Review status: criteria provided, multiple submitters, no conflicts (2 of 4 stars). 3 submissions from 3 submitters: Uncertain significance (3). Last evaluated 2025-06-23.

Conditions:
Inborn genetic diseases. Identifiers: MedGen C0950123, MeSH D030342.

Allele frequency attached by ClinVar (database versions not stated): gnomAD exomes 0.00002 and 0.00005; ExAC 0.00008; ESP Exome Variant Server 0.00008; gnomAD 0.00021 and 0.00023; TOPMed 0.00023; 1000 Genomes Project 30x 0.00047; 1000 Genomes Project 0.00060.
gnomAD v4.1: 60 of 1,613,634 alleles (0.0037%); highest among the groups gnomAD compares: African/African-American, 0.071%; no homozygotes.

Submissions (3):

Labcorp Genetics (formerly Invitae), Labcorp
Classification: Uncertain significance. Last evaluated: 2025-06-23. Review status: criteria provided, single submitter. Criteria: Invitae Variant Classification Sherloc (09022015). Collection method: clinical testing. Allele origin: germline.
Comment: This sequence change replaces methionine, which is neutral and non-polar, with threonine, which is neutral and polar, at codon 790 of the UNC45A protein (p.Met790Thr). This variant is present in population databases (rs143290125, gnomAD 0.09%). This variant has not been reported in the literature in individuals affected with UNC45A-related conditions. ClinVar contains an entry for this variant (Variation ID: 1416449). Invitae Evidence Modeling of protein sequence and biophysical properties (such as structural, functional, and spatial information, amino acid conservation, physicochemical variation, residue mobility, and thermodynamic stability) indicates that this missense variant is expected to disrupt UNC45A protein function with a positive predictive value of 80%. In summary, the available evidence is currently insufficient to determine the role of this variant in disease. Therefore, it has been classified as a Variant of Uncertain Significance.

Ambry Genetics
Classification: Uncertain significance for Inborn genetic diseases. Last evaluated: 2025-05-03. Review status: criteria provided, single submitter. Criteria: Ambry Variant Classification Scheme 2023. Collection method: clinical testing. Allele origin: germline.

GeneDx
Classification: Uncertain significance. Last evaluated: 2024-11-25. Review status: criteria provided, single submitter. Criteria: GeneDx Variant Classification Process June 2021. Collection method: clinical testing. Allele origin: germline. Affected: yes.
Comment: In silico analysis supports that this missense variant has a deleterious effect on protein structure/function; Has not been previously published as pathogenic or benign to our knowledge